The following is an entry in ClinVar:

NM_152263.4(TPM3):c.785A>G (p.Tyr262Cys)

Gene: TPM3 (tropomyosin 3; minus strand). Cytogenetic location: 1q21.3.
Variant type: single nucleotide variant.
Coding change: c.785A>G on transcript NM_152263.4 (MANE Select); coding-DNA position 785, A replaced by G.
Protein change: p.Tyr262Cys; replaces tyrosine 262 with cysteine.
Molecular consequence: missense variant. On other transcripts: intron variant (10).
Genome position (GRCh38, 1-based): chr1:154,169,374, T>C on the plus strand (A>G on the coding strand, the complement: TPM3 is on the minus strand). VCF-style: chr1-154169374-T-C. GRCh37 (hg19) VCF-style: chr1-154141850-T-C.
Other names: c.674A>G, p.Tyr225Cys (NM_001278189.2, NM_001349679.2, NM_001364683.1); c.785A>G, p.Tyr262Cys (NM_001364682.1); c.775+1026A>G (NM_001364679.2, NM_001364681.2, NM_001364680.2); c.466+1026A>G (NM_001278188.2); c.664+1026A>G (NM_001043351.2, NM_001043353.2, NM_153649.4 and 1 more transcripts); c.601+1026A>G (NM_001278190.2); c.394+1026A>G (NM_001278191.2); short protein forms Y225C, Y262C.
Identifiers: ClinVar variation 4793909 (VCV004793909.1).

ClinVar aggregate classification (germline): Uncertain significance (1 of 4 stars; one submission).

Conditions:
Congenital myopathy 4B, autosomal recessive. Also called: Nemaline myopathy 1, autosomal dominant or recessive. Identifiers: Orphanet 171433, Orphanet 171439, Orphanet 171881, MedGen C5829889, MONDO:0012239, OMIM 609284.
Congenital myopathy with fiber type disproportion. Also called: Congenital fiber-type disproportion; Congenital fiber-type disproportion myopathy. Identifiers: Orphanet 2020, MedGen C0546264, MONDO:0009711. Inheritance: all.

Submission:

Labcorp Genetics (formerly Invitae), Labcorp
Classification: Uncertain significance for Congenital myopathy with fiber type disproportion; Congenital myopathy 4B, autosomal recessive. Last evaluated: 2025-12-01. Review status: criteria provided, single submitter. Criteria: Invitae Variant Classification Sherloc (09022015). Collection method: clinical testing. Allele origin: germline.
Comment: This sequence change replaces tyrosine, which is neutral and polar, with cysteine, which is neutral and slightly polar, at codon 262 of the TPM3 protein (p.Tyr262Cys). This variant is not present in population databases (gnomAD no frequency). This variant has not been reported in the literature in individuals affected with TPM3-related conditions. Invitae Evidence Modeling of protein sequence and biophysical properties (such as structural, functional, and spatial information, amino acid conservation, physicochemical variation, residue mobility, and thermodynamic stability) indicates that this missense variant is not expected to disrupt TPM3 protein function with a negative predictive value of 80%. In summary, the available evidence is currently insufficient to determine the role of this variant in disease. Therefore, it has been classified as a Variant of Uncertain Significance.